The following is an entry in ClinVar:

ClinVar aggregate classification (germline): Pathogenic (1 of 4 stars; one submission).

Conditions:
Agammaglobulinemia 7, autosomal recessive (AGM7). Also called: AGAMMAGLOBULINEMIA, AUTOSOMAL RECESSIVE, DUE TO PIK3R1 DEFECT. Identifiers: MedGen C3554689, MONDO:0014083, OMIM 615214.
SHORT syndrome. Also called: PIK3R1-Related SHORT Syndrome; LIPODYSTROPHY, PARTIAL, WITH RIEGER ANOMALY AND SHORT STATURE; SHORT STATURE, HYPEREXTENSIBILITY, HERNIA, OCULAR DEPRESSION, RIEGER ANOMALY, AND TEETHING DELAY. Identifiers: Orphanet 3163, MedGen C0878684, MONDO:0010026, OMIM 269880.
Immunodeficiency 36 with lymphoproliferation. Also called: Activated PI3K Delta Syndrome Type 2 (APDS2); Immunodeficiency 36; ACTIVATED PI3K-DELTA SYNDROME 2. Identifiers: Orphanet 397596, Orphanet 693681, MedGen C4014934, MONDO:0014453, OMIM 616005.

Submission:

Labcorp Genetics (formerly Invitae), Labcorp
Classification: Pathogenic for SHORT syndrome; Immunodeficiency 36 with lymphoproliferation; Agammaglobulinemia 7, autosomal recessive. Last evaluated: 2023-10-13. Review status: criteria provided, single submitter. Criteria: Invitae Variant Classification Sherloc (09022015). Collection method: clinical testing. Allele origin: germline.
Comment: This sequence change creates a premature translational stop signal (p.Arg358*) in the PIK3R1 gene. It is expected to result in an absent or disrupted protein product. Loss-of-function variants in PIK3R1 are known to be pathogenic (PMID: 22351933, 25133428). This variant is not present in population databases (gnomAD no frequency). This variant has not been reported in the literature in individuals affected with PIK3R1-related conditions. ClinVar contains an entry for this variant (Variation ID: 2126685). For these reasons, this variant has been classified as Pathogenic.

Literature cited by the submitters: PubMed 22351933; PubMed 25133428.

NM_181523.3(PIK3R1):c.1072C>T (p.Arg358Ter)

Gene: PIK3R1 (phosphoinositide-3-kinase regulatory subunit 1; plus strand). Cytogenetic location: 5q13.1.
Variant type: single nucleotide variant.
Coding change: c.1072C>T on transcript NM_181523.3 (MANE Select); coding-DNA position 1072, C replaced by T.
Protein change: p.Arg358Ter; replaces arginine 358 with a stop codon.
Molecular consequence: nonsense. On other transcripts: 5 prime UTR variant (1).
Genome position (GRCh38, 1-based): chr5:68,293,153, C>T. VCF-style: chr5-68293153-C-T. GRCh37 (hg19) VCF-style: chr5-67588981-C-T.
Other names: c.-18C>T (NM_001242466.2); c.262C>T, p.Arg88Ter (NM_181504.4); c.172C>T, p.Arg58Ter (NM_181524.2); short protein forms R358*, R58*, R88*.
Identifiers: ClinVar variation 2126685 (VCV002126685.4), dbSNP rs2112253467, ClinGen allele CA359879166.
Genomic context (GRCh38, chr5:68,293,153, plus strand): 5'-CATTTCAGGGAAGAAGTGAATGAAAAACTTCGAGATACAGCAGACGGGACCTTTTTGGTA[C>T]GAGATGCGTCTACTAAAATGCATGGTGATTATACTCTTACACTAAGGTAAGCCAGGGAAT-3'